The following is an entry in ClinVar:

NM_001042492.3(NF1):c.172del (p.Leu58fs)

Gene: NF1 (neurofibromin 1; plus strand). Cytogenetic location: 17q11.2.
Variant type: Deletion.
Coding change: c.172del on transcript NM_001042492.3 (MANE Select); coding-DNA position 172, one base deleted (C; older notation c.172delC).
Protein change: p.Leu58fs; shifts the reading frame from leucine 58.
Molecular consequence: frameshift variant.
Genome position (GRCh38, 1-based): chr17:31,156,094, C deleted; the last of 2 consecutive C bases (chr17:31,156,093-31,156,094); deleting either gives the same sequence. VCF-style (leftmost placement, unchanged base first): chr17-31156092-GC-G. GRCh37 (hg19) VCF-style: chr17-29483110-GC-G.
Other names: c.172delC, p.Leu58Serfs (NM_000267.4); c.172del, p.Leu58fs (NM_001128147.3); short protein forms L58fs.
Identifiers: ClinVar variation 1070451 (VCV001070451.5), dbSNP rs2143627085, ClinGen allele CA2499223971.
Genomic context (GRCh38, chr17:31,156,092, plus strand): 5'-AGCACAACAAGGAATGTCTAATCAATATTTCCAAATACAAGTTTTCTTTGGTTATAAGCG[GC>G]CTCACTACTATTTTAAAGAATGTTAACAATATGGTGAGTATTTGGGTTACTGTGTTTTGG-3'

ClinVar aggregate classification (germline): Pathogenic (1 of 4 stars; one submission).

Conditions:
Neurofibromatosis, type 1 (NF1). Also called: VON RECKLINGHAUSEN DISEASE; Peripheral type neurofibromatosis; NEUROFIBROMATOSIS, TYPE I, SOMATIC; Neurofibromatosis, type I. Identifiers: Orphanet 636, MedGen C0027831, MONDO:0018975, OMIM 162200. Disease mechanism: loss of function.

Submission:

Labcorp Genetics (formerly Invitae), Labcorp
Classification: Pathogenic for Neurofibromatosis, type 1. Last evaluated: 2025-07-28. Review status: criteria provided, single submitter. Criteria: Invitae Variant Classification Sherloc (09022015). Collection method: clinical testing. Allele origin: germline.
Comment: This sequence change creates a premature translational stop signal (p.Leu58Serfs*5) in the NF1 gene. It is expected to result in an absent or disrupted protein product. Loss-of-function variants in NF1 are known to be pathogenic (PMID: 10712197, 23913538). This variant is not present in population databases (gnomAD no frequency). This variant has not been reported in the literature in individuals affected with NF1-related conditions. ClinVar contains an entry for this variant (Variation ID: 1070451). For these reasons, this variant has been classified as Pathogenic.

Literature cited by the submitters: PubMed 10712197; PubMed 23913538.